The following is an entry in ClinVar:

NM_001378454.1(ALMS1):c.3941C>T (p.Ser1314Leu)

Gene: ALMS1 (ALMS1 centrosome and basal body associated protein; plus strand). Cytogenetic location: 2p13.1.
Variant type: single nucleotide variant.
Coding change: c.3941C>T on transcript NM_001378454.1 (MANE Select); coding-DNA position 3941, C replaced by T.
Protein change: p.Ser1314Leu; replaces serine 1314 with leucine.
Molecular consequence: missense variant.
Genome position (GRCh38, 1-based): chr2:73,450,468, C>T. VCF-style: chr2-73450468-C-T. GRCh37 (hg19) VCF-style: chr2-73677595-C-T.
Other names: c.3944C>T, p.Ser1315Leu (NM_015120.4); short protein forms S1315L, S1314L.
Identifiers: ClinVar variation 1420403 (VCV001420403.5), dbSNP rs2103780749, ClinGen allele CA347277129.
Genomic context (GRCh38, chr2:73,450,468, plus strand): 5'-GCATTTTCTACCAACAGTCGTTGCCAAGTAGTCATCTAACTGAAGAGGCTAAGAATGTTT[C>T]AGCGGTTCCTGGACCAGCTGACCAGAAGACTGTGATACCAATTTTACCCTCTACTTTCTA-3'
Protein context (NP_001365383.1, residues 1304-1324): SHLTEEAKNV[Ser1314Leu]AVPGPADQKT

ClinVar aggregate classification (germline): Uncertain significance. Review status: criteria provided, multiple submitters, no conflicts (2 of 4 stars). 2 submissions from 2 submitters: Uncertain significance (2). Last evaluated 2022-07-12.

Conditions:
Cardiovascular phenotype. Identifiers: MedGen CN230736.
Alstrom syndrome (ALMS). Identifiers: Orphanet 64, MedGen C0268425, MONDO:0008763, OMIM 203800.

Allele frequency attached by ClinVar (database versions not stated): gnomAD exomes 0.00001.
gnomAD v4.1: 3 of 1,613,856 alleles (0.00019%); highest among the groups gnomAD compares: Non-Finnish European, 0.00025%; no homozygotes.

Submissions (2):

Labcorp Genetics (formerly Invitae), Labcorp
Classification: Uncertain significance for Alstrom syndrome. Last evaluated: 2022-07-12. Review status: criteria provided, single submitter. Criteria: Invitae Variant Classification Sherloc (09022015). Collection method: clinical testing. Allele origin: germline.
Comment: In summary, the available evidence is currently insufficient to determine the role of this variant in disease. Therefore, it has been classified as a Variant of Uncertain Significance. Experimental studies and prediction algorithms are not available or were not evaluated, and the functional significance of this variant is currently unknown. ClinVar contains an entry for this variant (Variation ID: 1420403). This variant has not been reported in the literature in individuals affected with ALMS1-related conditions. This variant is not present in population databases (gnomAD no frequency). This sequence change replaces serine, which is neutral and polar, with leucine, which is neutral and non-polar, at codon 1315 of the ALMS1 protein (p.Ser1315Leu).

Ambry Genetics
Classification: Uncertain significance for Cardiovascular phenotype. Last evaluated: 2022-05-20. Review status: criteria provided, single submitter. Criteria: Ambry Variant Classification Scheme 2023. Collection method: clinical testing. Allele origin: germline.